The following is an entry in ClinVar:

ClinVar aggregate classification (germline): Uncertain significance (1 of 4 stars; one submission).

Conditions:
Nephronophthisis. Also called: Juvenile Nephronophthisis. Identifiers: Orphanet 655, MedGen C0687120, MONDO:0019005, HP:0000090.

gnomAD v4.1: 2 of 1,614,066 alleles (0.00012%); highest among the groups gnomAD compares: Non-Finnish European, 0.000085%; no homozygotes.

Submission:

Labcorp Genetics (formerly Invitae), Labcorp
Classification: Uncertain significance for Nephronophthisis. Last evaluated: 2021-12-21. Review status: criteria provided, single submitter. Criteria: Invitae Variant Classification Sherloc (09022015). Collection method: clinical testing. Allele origin: germline.
Comment: This sequence change replaces methionine, which is neutral and non-polar, with arginine, which is basic and polar, at codon 341 of the INVS protein (p.Met341Arg). This variant is not present in population databases (gnomAD no frequency). This variant has not been reported in the literature in individuals affected with INVS-related conditions. Algorithms developed to predict the effect of missense changes on protein structure and function (SIFT, PolyPhen-2, Align-GVGD) all suggest that this variant is likely to be disruptive. In summary, the available evidence is currently insufficient to determine the role of this variant in disease. Therefore, it has been classified as a Variant of Uncertain Significance.

NM_014425.5(INVS):c.1022T>G (p.Met341Arg)

Gene: INVS (inversin; plus strand). Cytogenetic location: 9q31.1.
Variant type: single nucleotide variant.
Coding change: c.1022T>G on transcript NM_014425.5 (MANE Select); coding-DNA position 1022, T replaced by G.
Protein change: p.Met341Arg; replaces methionine 341 with arginine.
Molecular consequence: missense variant. On other transcripts: non-coding transcript variant (1).
Genome position (GRCh38, 1-based): chr9:100,246,731, T>G. VCF-style: chr9-100246731-T-G. GRCh37 (hg19) VCF-style: chr9-103009013-T-G.
Other names: c.734T>G, p.Met245Arg (NM_001318381.2); c.44T>G, p.Met15Arg (NM_001318382.2); short protein forms M245R, M15R, M341R.
Identifiers: ClinVar variation 1479154 (VCV001479154.5), dbSNP rs1397165748, ClinGen allele CA374363883.